The following is an entry in ClinVar:

ClinVar aggregate classification (germline): Uncertain significance. Review status: criteria provided, multiple submitters, no conflicts (2 of 4 stars). 2 submissions from 2 submitters: Uncertain significance (2). Last evaluated 2024-06-28.

Conditions:
MAP1B-related disorder. Also called: MAP1B-related condition.

Submissions (2):

Women's Health and Genetics/Laboratory Corporation of America, LabCorp
Classification: Uncertain significance. Last evaluated: 2024-06-28. Review status: criteria provided, single submitter. Criteria: LabCorp Variant Classification Summary - May 2015. Collection method: clinical testing. Allele origin: germline.
Comment: Variant summary: MAP1B c.3545C>G (p.Pro1182Arg) results in a non-conservative amino acid change in the encoded protein sequence. Four of five in-silico tools predict a benign effect of the variant on protein function. The variant was absent in 251402 control chromosomes. The available data on variant occurrences in the general population are insufficient to allow any conclusion about variant significance. To our knowledge, no occurrence of c.3545C>G in individuals affected with Periventricular Nodular Heterotopia 9 and no experimental evidence demonstrating its impact on protein function have been reported. ClinVar contains an entry for this variant (Variation ID: 2632754). Based on the evidence outlined above, the variant was classified as uncertain significance.

PreventionGenetics, part of Exact Sciences
Classification: Uncertain significance for MAP1B-related condition. Last evaluated: 2023-05-18. Review status: criteria provided, single submitter. Criteria: ACMG Guidelines, 2015. Collection method: clinical testing. Allele origin: germline.
Comment: The MAP1B c.3545C>G variant is predicted to result in the amino acid substitution p.Pro1182Arg. To our knowledge, this variant has not been reported in the literature or in a large population database, indicating this variant is rare. At this time, the clinical significance of this variant is uncertain due to the absence of conclusive functional and genetic evidence.

NM_005909.5(MAP1B):c.3545C>G (p.Pro1182Arg)

Gene: MAP1B (microtubule associated protein 1B; plus strand). Cytogenetic location: 5q13.2.
Variant type: single nucleotide variant.
Coding change: c.3545C>G on transcript NM_005909.5 (MANE Select); coding-DNA position 3545, C replaced by G.
Protein change: p.Pro1182Arg; replaces proline 1182 with arginine.
Molecular consequence: missense variant.
Genome position (GRCh38, 1-based): chr5:72,196,900, C>G. VCF-style: chr5-72196900-C-G. GRCh37 (hg19) VCF-style: chr5-71492727-C-G.
Other names: c.3167C>G, p.Pro1056Arg (NM_001324255.2); short protein forms P1056R, P1182R.
Identifiers: ClinVar variation 2632754 (VCV002632754.2), dbSNP rs779963708, ClinGen allele CA360012281.
Genomic context (GRCh38, chr5:72,196,900, plus strand): 5'-TCACCAAATATGAATCTTCATTGTATTCTCAGGAATACTCTAAACCTGCTGATGTTACAC[C>G]GCTCAACGGATTTTCTGAAGGATCAAAAACAGATGCCACTGATGGCAAGGATTACAATGC-3'
Protein context (NP_005900.2, residues 1172-1192): QEYSKPADVT[Pro1182Arg]LNGFSEGSKT